The following is an entry in ClinVar:

NM_017780.4(CHD7):c.8557G>A (p.Glu2853Lys)

Gene: CHD7 (chromodomain helicase DNA binding protein 7; plus strand). Cytogenetic location: 8q12.2.
Variant type: single nucleotide variant.
Coding change: c.8557G>A on transcript NM_017780.4 (MANE Select); coding-DNA position 8557, G replaced by A.
Protein change: p.Glu2853Lys; replaces glutamic acid 2853 with lysine.
Molecular consequence: missense variant.
Genome position (GRCh38, 1-based): chr8:60,865,496, G>A. VCF-style: chr8-60865496-G-A. GRCh37 (hg19) VCF-style: chr8-61778055-G-A.
Other names: c.8557G>A (NM_017780.2); c.2410G>A, p.Glu804Lys (NM_001316690.1); short protein forms E2853K, E804K.
Identifiers: ClinVar variation 1372104 (VCV001372104.14), dbSNP rs774843956, ClinGen allele CA4761030.

ClinVar aggregate classification (germline): Conflicting classifications of pathogenicity. Review status: criteria provided, conflicting classifications (1 of 4 stars). 5 submissions from 5 submitters: Uncertain significance (4); Benign (1). Last evaluated 2026-03-10.

Conditions:
Inborn genetic diseases. Identifiers: MedGen C0950123, MeSH D030342.
CHARGE syndrome (CHARGE). Also called: Hittner Hirsch Kreh syndrome; CHARGE ASSOCIATION--COLOBOMA, HEART ANOMALY, CHOANAL ATRESIA, RETARDATION, GENITAL AND EAR ANOMALIES; Coloboma, heart anomaly, choanal atresia, retardation, genital and ear anomalies; CHARGE association; Hall-Hittner syndrome. Identifiers: Orphanet 138, MedGen C0265354, MONDO:0008965.
CHD7-related disorder. Also called: CHD7-related condition.
Hypogonadotropic hypogonadism 5 with or without anosmia (KAL5). Also called: HYPOGONADOTROPIC HYPOGONADISM 5 WITH ANOSMIA; CHD7-Related GnRH Deficiency (Kallmann Syndrome 5); HYPOGONADOTROPHIC HYPOGONADISM 5 WITHOUT ANOSMIA. Identifiers: Orphanet 478, MedGen C3552553, MONDO:0012880, OMIM 612370. Disease mechanism: loss of function.

Allele frequency attached by ClinVar (database versions not stated): gnomAD exomes below 0.00001; ExAC 0.00001; gnomAD 0.00001; TOPMed 0.00004.
gnomAD v4.1: 7 of 1,613,914 alleles (0.00043%); highest among the groups gnomAD compares: Admixed American, 0.0017%; no homozygotes.

Submissions (5):

PreventionGenetics, part of Exact Sciences
Classification: Uncertain significance for CHD7-related condition. Last evaluated: 2026-03-10. Review status: criteria provided, single submitter. Criteria: ACMG Guidelines, 2015. Collection method: clinical testing. Allele origin: germline.
Comment: The CHD7 c.8557G>A variant is predicted to result in the amino acid substitution p.Glu2853Lys. To our knowledge, this variant has not been reported in the literature or in a large population database (gnomAD), indicating this variant is rare. At this time, the clinical significance of this variant is uncertain due to the absence of conclusive functional and genetic evidence.

Labcorp Genetics (formerly Invitae), Labcorp
Classification: Benign for CHARGE syndrome. Last evaluated: 2025-10-24. Review status: criteria provided, single submitter. Criteria: Invitae Variant Classification Sherloc (09022015). Collection method: clinical testing. Allele origin: germline.

GeneDx
Classification: Uncertain significance. Last evaluated: 2025-05-07. Review status: criteria provided, single submitter. Criteria: GeneDx Variant Classification Process June 2021. Collection method: clinical testing. Allele origin: germline. Affected: yes.
Comment: Not observed at significant frequency in large population cohorts (gnomAD); In silico analysis suggests that this missense variant does not alter protein structure/function; Has not been previously published as pathogenic or benign to our knowledge

Ambry Genetics
Classification: Uncertain significance for Inborn genetic diseases. Last evaluated: 2025-01-08. Review status: criteria provided, single submitter. Criteria: Ambry Variant Classification Scheme 2023. Collection method: clinical testing. Allele origin: germline.

Fulgent Genetics
Classification: Uncertain significance for CHD7-related CHARGE syndrome; Hypogonadotropic hypogonadism 5 with or without anosmia. Last evaluated: 2021-12-01. Review status: criteria provided, single submitter. Criteria: ACMG Guidelines, 2015. Collection method: clinical testing. Allele origin: unknown.